The following is an entry in ClinVar:

NM_016213.5(TRIP4):c.1474C>A (p.Arg492Ser)

Gene: TRIP4 (thyroid hormone receptor interactor 4; plus strand). Cytogenetic location: 15q22.31.
Variant type: single nucleotide variant.
Coding change: c.1474C>A on transcript NM_016213.5 (MANE Select); coding-DNA position 1474, C replaced by A.
Protein change: p.Arg492Ser; replaces arginine 492 with serine.
Molecular consequence: missense variant. On other transcripts: non-coding transcript variant (1).
Genome position (GRCh38, 1-based): chr15:64,424,146, C>A. VCF-style: chr15-64424146-C-A. GRCh37 (hg19) VCF-style: chr15-64716345-C-A.
Other names: c.784C>A, p.Arg262Ser (NM_001321924.2); short protein forms R262S, R492S.
Identifiers: ClinVar variation 1964106 (VCV001964106.5), dbSNP rs141545012, ClinGen allele CA392824740.

ClinVar aggregate classification (germline): Uncertain significance (1 of 4 stars; one submission).

gnomAD v4.1: 1 of 1,614,110 alleles (0.000062%); highest among the groups gnomAD compares: Admixed American, 0.0017%; no homozygotes.

Submission:

Labcorp Genetics (formerly Invitae), Labcorp
Classification: Uncertain significance. Last evaluated: 2022-03-17. Review status: criteria provided, single submitter. Criteria: Invitae Variant Classification Sherloc (09022015). Collection method: clinical testing. Allele origin: germline.
Comment: In summary, the available evidence is currently insufficient to determine the role of this variant in disease. Therefore, it has been classified as a Variant of Uncertain Significance. This sequence change replaces arginine, which is basic and polar, with serine, which is neutral and polar, at codon 492 of the TRIP4 protein (p.Arg492Ser). This variant is present in population databases (no rsID available, gnomAD 0.003%). This variant has not been reported in the literature in individuals affected with TRIP4-related conditions. Algorithms developed to predict the effect of missense changes on protein structure and function (SIFT, PolyPhen-2, Align-GVGD) all suggest that this variant is likely to be tolerated.